The following is an entry in ClinVar:

ClinVar aggregate classification (germline): Uncertain significance (1 of 4 stars; one submission).

Conditions:
X-linked myopathy with excessive autophagy (AVM). Also called: Vacuolar myopathy; Autophagic vacuolar myopathy. Identifiers: Orphanet 25980, MedGen C1839615, MONDO:0010684, OMIM 310440.

Allele frequency attached by ClinVar (database versions not stated): TOPMed below 0.00001; gnomAD exomes 0.00004; ExAC 0.00013.
gnomAD v4.1: 44 of 1,161,511 alleles (0.0038%); highest among the groups gnomAD compares: Non-Finnish European, 0.0044%; no homozygotes.

Submission:

Labcorp Genetics (formerly Invitae), Labcorp
Classification: Uncertain significance for X-linked myopathy with excessive autophagy. Last evaluated: 2022-03-29. Review status: criteria provided, single submitter. Criteria: Invitae Variant Classification Sherloc (09022015). Collection method: clinical testing. Allele origin: germline.
Comment: In summary, the available evidence is currently insufficient to determine the role of this variant in disease. Therefore, it has been classified as a Variant of Uncertain Significance. Variants that disrupt the consensus splice site are a relatively common cause of aberrant splicing (PMID: 17576681, 9536098). Algorithms developed to predict the effect of sequence changes on RNA splicing suggest that this variant is not likely to affect RNA splicing. This variant has not been reported in the literature in individuals affected with VMA21-related conditions. The frequency data for this variant in the population databases is considered unreliable, as metrics indicate poor data quality at this position in the gnomAD database. This sequence change falls in intron 1 of the VMA21 gene. It does not directly change the encoded amino acid sequence of the VMA21 protein. It affects a nucleotide within the consensus splice site.

Literature cited by the submitters: PubMed 17576681; PubMed 9536098.

NM_001017980.4(VMA21):c.53+4G>T

Gene: VMA21 (vacuolar ATPase assembly factor VMA21; plus strand). Cytogenetic location: Xq28.
Variant type: single nucleotide variant.
Coding change: c.53+4G>T on transcript NM_001017980.4 (MANE Select); 4 bases into the intron after coding-DNA position 53, G replaced by T.
Molecular consequence: intron variant.
Genome position (GRCh38, 1-based): chrX:151,397,365, G>T. VCF-style: chrX-151397365-G-T. GRCh37 (hg19) VCF-style: chrX-150565837-G-T.
Other names: c.218+308G>T (NM_001363810.1).
Identifiers: ClinVar variation 1928043 (VCV001928043.5), dbSNP rs777703288, ClinGen allele CA10540537.
Genomic context (GRCh38, chrX:151,397,365, plus strand): 5'-CACCATGGAGCGCCCGGATAAGGCGGCGCTGAACGCACTGCAGCCTCCTGAGTTCAGGTA[G>T]CCCTGAGCGGGGCCTGGACCGCGAGGCGGACTGGCCCCAGCCTGGAGCAGGGCTTGAGGG-3'